The following is an entry in ClinVar:

NM_207361.6(FREM2):c.3909G>A (p.Thr1303=)

Gene: FREM2 (FRAS1 related extracellular matrix 2; plus strand). Cytogenetic location: 13q13.3.
Variant type: single nucleotide variant.
Coding change: c.3909G>A on transcript NM_207361.6 (MANE Select); coding-DNA position 3909, G replaced by A.
Protein change: p.Thr1303=; no amino-acid change (threonine 1303 retained).
Molecular consequence: synonymous variant.
Genome position (GRCh38, 1-based): chr13:38,691,253, G>A. VCF-style: chr13-38691253-G-A. GRCh37 (hg19) VCF-style: chr13-39265390-G-A.
Other names: c.3909G>A (NM_207361.5).
Identifiers: ClinVar variation 2959398 (VCV002959398.5), dbSNP rs748754707, ClinGen allele CA6954880.

ClinVar aggregate classification (germline): Likely benign. Review status: criteria provided, single submitter (1 of 4 stars). 2 submissions from 2 submitters: Likely benign (1). 1 of the submissions does not count toward it. Last evaluated 2025-09-24.

Conditions:
FREM2-related disorder. Also called: FREM2-related condition.

Allele frequency attached by ClinVar (database versions not stated): ExAC 0.00002; gnomAD 0.00001; gnomAD exomes 0.00002; TOPMed 0.00002.
gnomAD v4.1: 31 of 1,613,354 alleles (0.0019%); highest among the groups gnomAD compares: Admixed American, 0.005%; no homozygotes.

Submissions (2):

Labcorp Genetics (formerly Invitae), Labcorp
Classification: Likely benign. Last evaluated: 2025-09-24. Review status: criteria provided, single submitter. Criteria: Invitae Variant Classification Sherloc (09022015). Collection method: clinical testing. Allele origin: germline.

PreventionGenetics, part of Exact Sciences
Classification: Likely benign for FREM2-related condition. Last evaluated: 2021-08-11. Review status: no assertion criteria provided. Collection method: clinical testing. Allele origin: germline. Not counted in ClinVar's aggregate classification.
Comment: This variant is classified as likely benign based on ACMG/AMP sequence variant interpretation guidelines (Richards et al. 2015 PMID: 25741868, with internal and published modifications).